The following is an entry in ClinVar:

NM_017950.4(CCDC40):c.2832+4A>T

Gene: CCDC40 (coiled-coil domain 40 molecular ruler complex subunit; plus strand). Cytogenetic location: 17q25.3.
Variant type: single nucleotide variant.
Coding change: c.2832+4A>T on transcript NM_017950.4 (MANE Select); 4 bases into the intron after coding-DNA position 2832, A replaced by T.
Molecular consequence: intron variant.
Genome position (GRCh38, 1-based): chr17:80,089,888, A>T. VCF-style: chr17-80089888-A-T. GRCh37 (hg19) VCF-style: chr17-78063687-A-T.
Other names: c.2832+4A>T (NM_001243342.2).
Identifiers: ClinVar variation 325744 (VCV000325744.8), dbSNP rs756602466, ClinGen allele CA8814358.
Genomic context (GRCh38, chr17:80,089,888, plus strand): 5'-TCCGAGATCGGCCAGACGGAGATCCGGGCCATGAAGGGCGAGATCCACAGGATGAAGGTG[A>T]GGGGAGGAGAGCGGCGTGGCAGGGCCTGCTGGGTGCCAGCCCTTGGGCTCTGGAGACCTG-3'

ClinVar aggregate classification (germline): Conflicting classifications of pathogenicity. Review status: criteria provided, conflicting classifications (1 of 4 stars). 3 submissions from 3 submitters: Likely pathogenic (1); Uncertain significance (2). Last evaluated 2023-10-16.

Conditions:
Primary ciliary dyskinesia. Also called: Ciliary dyskinesia. Identifiers: Orphanet 244, MedGen C0008780, MONDO:0016575, HP:0012265.
Primary ciliary dyskinesia 15. Also called: CILIARY DYSKINESIA, PRIMARY, 15, WITH OR WITHOUT SITUS INVERSUS. Identifiers: Orphanet 244, MedGen C3151137, MONDO:0013435, OMIM 613808.

Allele frequency attached by ClinVar (database versions not stated): gnomAD 0.00001; TOPMed 0.00002.
gnomAD v4.1: 12 of 1,613,960 alleles (0.00074%); highest among the groups gnomAD compares: Non-Finnish European, 0.001%; no homozygotes.

Submissions (3):

GeneDx
Classification: Uncertain significance. Last evaluated: 2023-10-16. Review status: criteria provided, single submitter. Criteria: GeneDx Variant Classification Process June 2021. Collection method: clinical testing. Allele origin: germline. Affected: yes.
Comment: In silico analysis supports a deleterious effect on splicing; Has not been previously published as pathogenic or benign to our knowledge

Ambry Genetics
Classification: Likely pathogenic for Primary ciliary dyskinesia. Last evaluated: 2019-02-27. Review status: criteria provided, single submitter. Criteria: Ambry Variant Classification Scheme 2023. Collection method: clinical testing. Allele origin: germline.
Comment: The c.2832+4A>T intronic variant results from an A to T substitution 4 nucleotides after coding exon 17 in the CCDC40 gene. This variant has been detected in trans with a pathogenic mutation in CCDC40 in siblings with clinical features of primary ciliary dyskinesia (Ambry internal data). Based on data from gnomAD, the T allele has an overall frequency of approximately 0.002% (5/249146). This nucleotide position is well conserved in available vertebrate species. Using the BDGP and ESEfinder splice site prediction tools, this alteration is predicted to weaken the efficiency of the native splice donor site; however, direct evidence is unavailable. Based on the majority of available evidence to date, this variant is likely to be pathogenic.

Illumina Laboratory Services, Illumina
Classification: Uncertain significance for Primary ciliary dyskinesia 15. Last evaluated: 2018-01-12. Review status: criteria provided, single submitter. Criteria: ICSL Variant Classification Criteria 13 December 2019. Collection method: clinical testing. Allele origin: germline.